The following is an entry in ClinVar:

NM_003073.5(SMARCB1):c.351del (p.Thr118fs)

Gene: SMARCB1 (SWI/SNF related, matrix associated, actin dependent regulator of chromatin, subfamily b, member 1; plus strand). Cytogenetic location: 22q11.23.
Variant type: Deletion.
Coding change: c.351del on transcript NM_003073.5 (MANE Select); coding-DNA position 351, one base deleted (C; older notation c.351delC).
Protein change: p.Thr118fs; shifts the reading frame from threonine 118.
Molecular consequence: frameshift variant.
Genome position (GRCh38, 1-based): chr22:23,793,677, C deleted; the last of 6 consecutive C bases (chr22:23,793,672-23,793,677); deleting any one gives the same sequence. VCF-style (leftmost placement, unchanged base first): chr22-23793671-GC-G. GRCh37 (hg19) VCF-style: chr22-24135858-GC-G.
Other names: c.324del, p.Thr109fs (NM_001007468.3, NM_001317946.2); c.351del, p.Thr118fs (NM_001362877.2); short protein forms T109fs, T118fs.
Identifiers: ClinVar variation 692027 (VCV000692027.1), dbSNP rs1555876140, ClinGen allele CA513770653.

ClinVar aggregate classification (germline): Pathogenic (1 of 4 stars; one submission).

Conditions:
Teratoid tumor, atypical. Identifiers: MedGen C1836326.

Submission:

Rady Children's Institute for Genomic Medicine, Rady Children's Hospital San Diego
Classification: Pathogenic for TERATOID TUMOR, ATYPICAL. Last evaluated: 2018-05-03. Review status: criteria provided, single submitter. Criteria: ACMG Guidelines, 2015. Collection method: clinical testing. Allele origin: germline. Affected: yes. Observed: 1 variant allele.
Comment: This variant has not been previously reported or functionally characterized in the literature to our knowledge. However, pathogenic variation in SMARCB1 has been associated with Coffin-Siris syndrome 3 (MIM: 614608), rhabdoid tumor predisposition syndrome 1 (MIM: 609322), and susceptibility to schwannomatosis-1 (MIM: 162091). In particular, null variants are generally associated with rhabdoid tumors, while missense variants tend to be associated with Coffin-Siris syndrome 3 and familial schwannomatosis. This particular null variant has not been reported in affected individuals in ClinVar or HGMD, and this variant has not been observed in the gnomAD population database. This variant is predicted to result in a frameshift (in exon 3 of 9) and a premature STOP codon after 27 additional amino acids, leading to the production of truncated SMARCB1 protein likely with little or no functional activity. An additional somatic mutation in the remaining normal copy of the SMARCB1 gene would result in the development of rhabdoid tumors. Based on the combined evidence, the c.347_348delinsT Pro116Leufs*27 variant is classified as pathogenic.